The following is an entry in ClinVar:

ClinVar aggregate classification (germline): Uncertain significance (1 of 4 stars; one submission).

Conditions:
Inborn genetic diseases. Identifiers: MedGen C0950123, MeSH D030342.

Submission:

Ambry Genetics
Classification: Uncertain significance for Inborn genetic diseases. Last evaluated: 2026-06-08. Review status: criteria provided, single submitter. Criteria: Ambry Variant Classification Scheme 2023. Collection method: clinical testing. Allele origin: germline.
Comment: The p.L327P variant (also known as c.980T>C), located in coding exon 6 of the G6PC3 gene, results from a T to C substitution at nucleotide position 980. The leucine at codon 327 is replaced by proline, an amino acid with similar properties. This amino acid position is conserved. In addition, this alteration is predicted to be deleterious by in silico analysis. Based on the available evidence, the clinical significance of this variant remains unclear.

NM_138387.4(G6PC3):c.980T>C (p.Leu327Pro)

Gene: G6PC3 (glucose-6-phosphatase catalytic subunit 3; plus strand). Cytogenetic location: 17q21.31.
Variant type: single nucleotide variant.
Coding change: c.980T>C on transcript NM_138387.4 (MANE Select); coding-DNA position 980, T replaced by C.
Protein change: p.Leu327Pro; replaces leucine 327 with proline.
Molecular consequence: missense variant. On other transcripts: 3 prime UTR variant (1).
Genome position (GRCh38, 1-based): chr17:44,075,982, T>C. VCF-style: chr17-44075982-T-C. GRCh37 (hg19) VCF-style: chr17-42153350-T-C.
Other names: c.*273T>C (NM_001319945.2); c.635T>C, p.Leu212Pro (NM_001384165.1, NM_001384166.1, NM_001384167.1 and 1 more transcripts); short protein forms L212P, L327P.
Identifiers: ClinVar variation 4871608 (VCV004871608.1).